The following is an entry in ClinVar:

NM_014846.4(WASHC5):c.1988A>G (p.Asp663Gly)

Gene: WASHC5 (WASH complex subunit 5; minus strand). Cytogenetic location: 8q24.13.
Variant type: single nucleotide variant.
Coding change: c.1988A>G on transcript NM_014846.4 (MANE Select); coding-DNA position 1988, A replaced by G.
Protein change: p.Asp663Gly; replaces aspartic acid 663 with glycine.
Molecular consequence: missense variant.
Genome position (GRCh38, 1-based): chr8:125,056,705, T>C on the plus strand (A>G on the coding strand, the complement: WASHC5 is on the minus strand). VCF-style: chr8-125056705-T-C. GRCh37 (hg19) VCF-style: chr8-126068947-T-C.
Other names: c.1544A>G, p.Asp515Gly (NM_001330609.2); short protein forms D515G, D663G.
Identifiers: ClinVar variation 3361813 (VCV003361813.1).

ClinVar aggregate classification (germline): Uncertain significance (1 of 4 stars; one submission).

Submission:

GeneDx
Classification: Uncertain significance. Last evaluated: 2023-08-11. Review status: criteria provided, single submitter. Criteria: GeneDx Variant Classification Process June 2021. Collection method: clinical testing. Allele origin: germline. Affected: yes.
Comment: Not observed at significant frequency in large population cohorts (gnomAD); In silico analysis supports that this missense variant has a deleterious effect on protein structure/function; Has not been previously published as pathogenic or benign to our knowledge